The following is an entry in ClinVar:

ClinVar aggregate classification (germline): Likely benign. Review status: criteria provided, multiple submitters, no conflicts (2 of 4 stars). 3 submissions from 3 submitters: Likely benign (3). Last evaluated 2025-03-06.

Conditions:
CDH23-related disorder. Also called: CDH23-related condition; CDH23-related disorders.

Allele frequency attached by ClinVar (database versions not stated): TOPMed below 0.00001; gnomAD 0.00002 and 0.00004; gnomAD exomes 0.00008 and 0.00011; ExAC 0.00012; 1000 Genomes Project 30x 0.00016; 1000 Genomes Project 0.00020.
gnomAD v4.1: 125 of 1,613,704 alleles (0.0077%); highest among the groups gnomAD compares: East Asian, 0.27%; 1 homozygote.

Submissions (3):

Labcorp Genetics (formerly Invitae), Labcorp
Classification: Likely benign. Last evaluated: 2025-03-06. Review status: criteria provided, single submitter. Criteria: Invitae Variant Classification Sherloc (09022015). Collection method: clinical testing. Allele origin: germline.

PreventionGenetics, part of Exact Sciences
Classification: Likely benign for CDH23-related condition. Last evaluated: 2025-01-22. Review status: criteria provided, single submitter. Criteria: ACMG Guidelines, 2015. Collection method: clinical testing. Allele origin: germline.
Comment: This variant is classified as likely benign based on ACMG/AMP sequence variant interpretation guidelines (Richards et al. 2015 PMID: 25741868, with internal and published modifications).

Blueprint Genetics
Classification: Likely benign. Last evaluated: 2024-01-11. Review status: criteria provided, single submitter. Criteria: ACMG Guidelines, 2015. Collection method: clinical testing. Allele origin: germline.

NM_022124.6(CDH23):c.9399G>A (p.Leu3133=)

Gene: CDH23 (cadherin related 23; plus strand). Cytogenetic location: 10q22.1.
Variant type: single nucleotide variant.
Coding change: c.9399G>A on transcript NM_022124.6 (MANE Select); coding-DNA position 9399, G replaced by A.
Protein change: p.Leu3133=; no amino-acid change (leucine 3133 retained).
Molecular consequence: synonymous variant.
Genome position (GRCh38, 1-based): chr10:71,812,498, G>A. VCF-style: chr10-71812498-G-A. GRCh37 (hg19) VCF-style: chr10-73572255-G-A.
Other names: c.9399G>A (NM_022124.5); c.2679G>A, p.Leu893= (NM_001171933.1, NM_001171934.1); c.90G>A, p.Leu30= (NM_001171935.1, NM_001171936.1).
Identifiers: ClinVar variation 1150461 (VCV001150461.11), dbSNP rs59687895, ClinGen allele CA5547071.